The following is an entry in ClinVar:

ClinVar aggregate classification (germline): Likely pathogenic (3 of 4 stars; one submission).

Conditions:
Phenylketonuria (PKU). Also called: FOLLING DISEASE; Phenylketonuria (PKU); OLIGOPHRENIA PHENYLPYRUVICA; Phenylketonurias. Identifiers: Orphanet 716, MedGen C0031485, MONDO:0009861, OMIM 261600. Disease mechanism: loss of function.

Submission:

ClinGen PAH Variant Curation Expert Panel
Classification: Likely pathogenic for Phenylketonuria. Last evaluated: 2024-09-06. Review status: reviewed by expert panel. Criteria: ClinGen PAH ACMG Specifications v1. Collection method: curation. Allele origin: germline. Inheritance: Autosomal recessive inheritance.
Comment: The c.442G>C (p.Gly148Arg) variant in PAH is a missense variant that is predicted damaging by REVEL (REVEL score 0.947) (PP3_Strong). It is absent from gnomAD v2.1.1 (PM2_Supporting). It has been reported in at least 1 Chinese patient with PAH deficiency with BH4 deficiency excluded (PMID: 26503515, 30050108) (PP4_Moderate), and has been reported in unknown phase with the pathogenic variant p.Arg243Gln (ClinVar ID: 591) (PM3_Supporting). Multiple different missense variants at the same site have been reported likely pathogenic in ClinVar, including c.443G>A (p.Gly148Asp) (ClinVar ID: 872837), c.443G>T (p.Gly148Val) (ClinVar ID: 552657), c.442G>A (p.Gly148Ser) (ClinVar ID: 102680) (PM5_Supporting). In summary, this variant meets criteria to be classified as likely pathogenic for phenylketonuria in an autosomal recessive manner based on the ACMG/AMP criteria applied as specified by the PAH Expert Panel: PM2_Supporting, PM5_Supporting, PP4_Moderate, PP3_Strong.

NM_000277.3(PAH):c.442G>C (p.Gly148Arg)

Gene: PAH (phenylalanine hydroxylase; minus strand). Cytogenetic location: 12q23.2.
Variant type: single nucleotide variant.
Coding change: c.442G>C on transcript NM_000277.3 (MANE Select); coding-DNA position 442, G replaced by C.
Protein change: p.Gly148Arg; replaces glycine 148 with arginine.
Molecular consequence: missense variant.
Genome position (GRCh38, 1-based): chr12:102,866,663, C>G on the plus strand (G>C on the coding strand, the complement: PAH is on the minus strand). VCF-style: chr12-102866663-C-G. GRCh37 (hg19) VCF-style: chr12-103260441-C-G.
Other names: c.442G>C, p.Gly148Arg (NM_001354304.2); short protein forms G148R.
Identifiers: ClinVar variation 872834 (VCV000872834.2), dbSNP rs80297647, ClinGen allele CA16020789.